The following is an entry in ClinVar:

NM_001999.4(FBN2):c.7259A>C (p.His2420Pro)

Gene: FBN2 (fibrillin 2; minus strand). Cytogenetic location: 5q23.3.
Variant type: single nucleotide variant.
Coding change: c.7259A>C on transcript NM_001999.4 (MANE Select); coding-DNA position 7259, A replaced by C.
Protein change: p.His2420Pro; replaces histidine 2420 with proline.
Molecular consequence: missense variant.
Genome position (GRCh38, 1-based): chr5:128,278,721, T>G on the plus strand (A>C on the coding strand, the complement: FBN2 is on the minus strand). VCF-style: chr5-128278721-T-G. GRCh37 (hg19) VCF-style: chr5-127614413-T-G.
Other names: short protein forms H2420P.
Identifiers: ClinVar variation 1492162 (VCV001492162.8), dbSNP rs2126809547, ClinGen allele CA360756368.
Genomic context (GRCh38, chr5:128,278,721, plus strand): 5'-CCATGAGGACATATCTTTTTGTACTGGGCAGTTCCAGGAAGTGGGCAAAGCTCGCACTGG[T>G]GGCCCCAGCCTCGCCCACCATCACAGCAGCATTCTGACTTAGTGACGAGATTGCGACTAC-3'
Protein context (NP_001990.2, residues 2410-2430): CCCDGGRGWG[His2420Pro]QCELCPLPGT

ClinVar aggregate classification (germline): Uncertain significance (1 of 4 stars; one submission).

Conditions:
Congenital contractural arachnodactyly (CCA). Also called: BEALS SYNDROME; Beals-Hecht syndrome; Arthrogryposis, distal, type 9. Identifiers: Orphanet 115, MedGen C0220668, MONDO:0007363, OMIM 121050.

gnomAD v4.1: 2 of 1,614,190 alleles (0.00012%); no homozygotes.

Submission:

Labcorp Genetics (formerly Invitae), Labcorp
Classification: Uncertain significance for Congenital contractural arachnodactyly. Last evaluated: 2025-04-14. Review status: criteria provided, single submitter. Criteria: Invitae Variant Classification Sherloc (09022015). Collection method: clinical testing. Allele origin: germline.
Comment: This sequence change replaces histidine, which is basic and polar, with proline, which is neutral and non-polar, at codon 2420 of the FBN2 protein (p.His2420Pro). This variant is not present in population databases (gnomAD no frequency). This variant has not been reported in the literature in individuals affected with FBN2-related conditions. ClinVar contains an entry for this variant (Variation ID: 1492162). Invitae Evidence Modeling of protein sequence and biophysical properties (such as structural, functional, and spatial information, amino acid conservation, physicochemical variation, residue mobility, and thermodynamic stability) indicates that this missense variant is not expected to disrupt FBN2 protein function with a negative predictive value of 80%. In summary, the available evidence is currently insufficient to determine the role of this variant in disease. Therefore, it has been classified as a Variant of Uncertain Significance.